The following is an entry in ClinVar:

ClinVar aggregate classification (germline): Pathogenic. Review status: criteria provided, multiple submitters, no conflicts (2 of 4 stars). 2 submissions from 2 submitters: Pathogenic (2). Last evaluated 2023-10-05.

Conditions:
Hereditary cancer-predisposing syndrome. Also called: Neoplastic Syndromes, Hereditary; Tumor predisposition; Hereditary Cancer Syndrome; Hereditary neoplastic syndrome. Identifiers: Orphanet 140162, MedGen C0027672, MeSH D009386, MONDO:0015356.
Hereditary pheochromocytoma and paraganglioma. Also called: Hereditary paragangliomas and pheochromocytomas; Hereditary Paraganglioma-Pheochromocytoma Syndromes; Hereditary pheochromocytoma-paraganglioma. Identifiers: Orphanet 29072, MedGen C4274332, MONDO:0017366.

Submissions (2):

Ambry Genetics
Classification: Pathogenic for Hereditary cancer-predisposing syndrome. Last evaluated: 2023-10-05. Review status: criteria provided, single submitter. Criteria: Ambry Variant Classification Scheme 2023. Collection method: clinical testing. Allele origin: germline.
Comment: The c.267_268delAG pathogenic mutation, located in coding exon 2 of the TMEM127 gene, results from a deletion of two nucleotides at nucleotide positions 267 to 268, causing a translational frameshift with a predicted alternate stop codon (p.V90Afs*17). This variant is considered to be rare based on population cohorts in the Genome Aggregation Database (gnomAD). This alteration is expected to result in loss of function by premature protein truncation or nonsense-mediated mRNA decay. As such, this alteration is interpreted as a disease-causing mutation.

Labcorp Genetics (formerly Invitae), Labcorp
Classification: Pathogenic for Hereditary pheochromocytoma and paraganglioma. Last evaluated: 2023-09-10. Review status: criteria provided, single submitter. Criteria: Invitae Variant Classification Sherloc (09022015). Collection method: clinical testing. Allele origin: germline.
Comment: For these reasons, this variant has been classified as Pathogenic. This premature translational stop signal has been observed in individual(s) with sarcoma (PMID: 34308366). This variant is not present in population databases (gnomAD no frequency). This sequence change creates a premature translational stop signal (p.Val90Alafs*17) in the TMEM127 gene. It is expected to result in an absent or disrupted protein product. Loss-of-function variants in TMEM127 are known to be pathogenic (PMID: 20154675, 21156949).

Literature cited by the submitters: PubMed 34308366 (cited by Labcorp Genetics (formerly Invitae), Labcorp); PubMed 20154675 (cited by Labcorp Genetics (formerly Invitae), Labcorp); PubMed 21156949 (cited by Labcorp Genetics (formerly Invitae), Labcorp).

NM_017849.4(TMEM127):c.267_268del (p.Val90fs)

Gene: TMEM127 (transmembrane protein 127; minus strand). Cytogenetic location: 2q11.2.
Variant type: Deletion.
Coding change: c.267_268del on transcript NM_017849.4 (MANE Select); coding-DNA positions 267 to 268, 2 bases deleted (AG; older notation c.267_268delAG).
Protein change: p.Val90fs; shifts the reading frame from valine 90.
Molecular consequence: frameshift variant.
Genome position (GRCh38, 1-based): chr2:96,254,974-96,254,975, CT deleted on the plus strand (AG on the coding strand, the reverse complement: TMEM127 is on the minus strand). VCF-style (leftmost placement, unchanged base first): chr2-96254973-ACT-A. GRCh37 (hg19) VCF-style: chr2-96920711-ACT-A.
Other names: c.267_268del, p.Val90fs (NM_001193304.3); c.15_16del, p.Val6fs (NM_001407282.1, NM_001407283.1); short protein forms V90fs, V6fs.
Identifiers: ClinVar variation 2993885 (VCV002993885.4), dbSNP rs2467266667, ClinGen allele CA2586964995.